The following is an entry in ClinVar:

ClinVar aggregate classification (germline): Pathogenic/Likely pathogenic. Review status: criteria provided, multiple submitters, no conflicts (2 of 4 stars). 6 submissions from 6 submitters: Pathogenic (3); Likely pathogenic (2). 1 of the submissions does not count toward it. Last evaluated 2025-09-04.

Conditions:
CYP17A1-related disorder. Also called: CYP17A1-related condition.
Deficiency of steroid 17-alpha-monooxygenase. Also called: Congenital adrenal hyperplasia due to 17-alpha-hydroxylase deficiency; Congenital adrenal hyperplasia type 5; 17-ALPHA-HYDROXYLASE DEFICIENCY; 17-alpha-hydroxylase/17,20-lyase deficiency; ADRENAL HYPERPLASIA V. Identifiers: Orphanet 90793, MedGen C0268285, MONDO:0008730, OMIM 202110.
17-alpha-hydroxylase/17,20-lyase deficiency, combined complete. Identifiers: MedGen CN042980, MONDO:0800379.

Allele frequency attached by ClinVar (database versions not stated): TOPMed 0.00002; gnomAD exomes 0.00002; gnomAD 0.00002.
gnomAD v4.1: 27 of 1,569,960 alleles (0.0017%); highest among the groups gnomAD compares: Non-Finnish European, 0.0023%; no homozygotes.

Submissions (6):

Dasa
Classification: Likely pathogenic for congenital adrenal hyperplasia due to 17-alpha-hydroxylase deficiency. Last evaluated: 2025-09-04. Review status: criteria provided, single submitter. Criteria: DASA Assertion Criteria. Collection method: clinical testing. Allele origin: germline.
Comment: NM_000102.4(CYP17A1):c.1247G>A (p.Arg416His) is a missense variant that results in the substitution of arginine with histidine. The affected residue or protein region has prior evidence supporting clinical relevance. This variant has been recurrently observed in individuals with CYP17A1-related disorders (PMID: 17192295; PMID: 16849412; PMID: 28870780). Functional evidence supports an impact on the gene or gene product (PMID: 17192295; PMID: 16849412; PMID: 28870780). Also, this variant is rare in population databases. Computational evidence supports a deleterious effect. Based on the currently available evidence, this variant is classified as likely pathogenic.

Natera, Inc.
Classification: Pathogenic for Deficiency of steroid 17-alpha-monooxygenase. Last evaluated: 2025-02-20. Review status: criteria provided, single submitter. Criteria: Natera Variant Classification Schema (03/2026). Collection method: clinical testing. Allele origin: germline.
Comment: The c.1247G>A variant in CYP17A1 is a missense variant predicted to cause substitution of arginine to histidine at amino acid 416. This variant is rare in the general population with a frequency below the threshold expected for the associated phenotype(s). This variant has been observed in one or more individuals affected with the associated recessive disease, as either homozygous or compound heterozygous with a second variant (PMID: 16849412, 17192295, 28870780, 26920256). Additionally, this variant has been observed to segregate in affected family members (PMID: 26920256). A different variant at the same position has been determined to be Pathogenic or Likely Pathogenic. Computational prediction algorithms indicate this variant is likely to affect gene or protein function. Given the available evidence, this variant is classified as Pathogenic.

Labcorp Genetics (formerly Invitae), Labcorp
Classification: Pathogenic. Last evaluated: 2024-01-28. Review status: criteria provided, single submitter. Criteria: Invitae Variant Classification Sherloc (09022015). Collection method: clinical testing. Allele origin: germline.
Comment: This sequence change replaces arginine, which is basic and polar, with histidine, which is basic and polar, at codon 416 of the CYP17A1 protein (p.Arg416His). This variant is present in population databases (rs104894155, gnomAD 0.001%). This missense change has been observed in individuals with clinical features of CYP17A1-related conditions (PMID: 16849412, 17192295, 28870780, 32784047). ClinVar contains an entry for this variant (Variation ID: 1804). An algorithm developed to predict the effect of missense changes on protein structure and function (PolyPhen-2) suggests that this variant is likely to be disruptive. Experimental studies have shown that this missense change affects CYP17A1 function (PMID: 17192295). This variant disrupts the p.Arg416 amino acid residue in CYP17A1. Other variant(s) that disrupt this residue have been observed in individuals with CYP17A1-related conditions (PMID: 11422109, 16772352), which suggests that this may be a clinically significant amino acid residue. For these reasons, this variant has been classified as Pathogenic.

PreventionGenetics, part of Exact Sciences
Classification: Likely pathogenic for CYP17A1-related condition. Last evaluated: 2022-12-29. Review status: criteria provided, single submitter. Criteria: ACMG Guidelines, 2015. Collection method: clinical testing. Allele origin: germline.
Comment: The CYP17A1 c.1247G>A variant is predicted to result in the amino acid substitution p.Arg416His. This variant was reported in an individual with steroid-17 alpha-hydroxylase deficiency (Ergun-Longmire et al. 2006. PubMed ID: 16849412; Rosa et al. 2006. PubMed ID: 17192295; Alswailem et al. 2017. PubMed ID: 28870780; Alswailem et al. 2020. PubMed ID: 32784047). This variant is reported in 0.0011% of alleles in individuals of European (Non-Finnish) descent in gnomAD. This variant is interpreted as likely pathogenic.

Lifecell International Pvt. Ltd
Classification: Pathogenic for Deficiency of steroid 17-alpha-monooxygenase. Review status: criteria provided, single submitter. Criteria: ACMG Guidelines, 2015. Collection method: clinical testing. Allele origin: germline. Inheritance: Autosomal recessive inheritance. Affected: yes. Observed: 1 homozygote.
Comment: A Homozygote Missense variant c.1247G>A in Exon 8 of the CYP17A1 gene that results in the amino acid substitution p.Arg416His was identified. The observed variant has a minor allele frequency of 0.00003% in gnomAD genomes. The severity of the impact of this variant on the protein is medium, based on the effect of the protein and REVEL score . Rare Exome Variant Ensemble Learner (REVEL) is an ensembl method for predicting the pathogenicity of missense variants based on a combination of scores from 13 individual tools: MutPred, FATHMM v2.3, VEST 3.0, PolyPhen-2, SIFT, PROVEAN, MutationAssessor, MutationTaster, LRT, GERP++, SiPhy, phyloP, and phastCons. The REVEL score for an individual missense variant can range from 0 to 1, with higher scores reflecting greater likelihood that the variant is disease-causing. ClinVar has also classified this variant as Likely Pathogenic (Variant ID-1804). This variant has been previously reported in Ergun-Longmire B et al., 2006. Expression studies revealed no detectable activity of the encoded protein (Ergun-Longmire B et al., 2006). Based on the above evidence this variant has been classified as Pathogenic according to the ACMG guidelines.

OMIM
Classification: Pathogenic for 17-ALPHA-HYDROXYLASE/17,20-LYASE DEFICIENCY, COMBINED COMPLETE. Last evaluated: 2006-10-01. Review status: no assertion criteria provided. Collection method: literature only. Allele origin: germline. Not counted in ClinVar's aggregate classification.

Literature cited by the submitters: PubMed 17192295 (cited by 3 submitters); PubMed 16849412 (cited by 5 submitters); PubMed 28870780 (cited by 3 submitters); PubMed 26920256 (cited by Natera, Inc.); PubMed 32784047 (cited by Labcorp Genetics (formerly Invitae), Labcorp); PubMed 11422109 (cited by Labcorp Genetics (formerly Invitae), Labcorp); PubMed 16772352 (cited by Labcorp Genetics (formerly Invitae), Labcorp).

NM_000102.4(CYP17A1):c.1247G>A (p.Arg416His)

Gene: CYP17A1 (cytochrome P450 family 17 subfamily A member 1; minus strand). Cytogenetic location: 10q24.32.
Variant type: single nucleotide variant.
Coding change: c.1247G>A on transcript NM_000102.4 (MANE Select); coding-DNA position 1247, G replaced by A.
Protein change: p.Arg416His; replaces arginine 416 with histidine.
Molecular consequence: missense variant.
Genome position (GRCh38, 1-based): chr10:102,830,982, C>T on the plus strand (G>A on the coding strand, the complement: CYP17A1 is on the minus strand). VCF-style: chr10-102830982-C-T. GRCh37 (hg19) VCF-style: chr10-104590739-C-T.
Other names: short protein forms R416H.
Identifiers: ClinVar variation 1804 (VCV000001804.16), dbSNP rs104894155, ClinGen allele CA115203.